The following is an entry in ClinVar:

NM_181872.6(DMRT2):c.629-449A>G

Gene: DMRT2 (doublesex and mab-3 related transcription factor 2; plus strand). Cytogenetic location: 9p24.3.
Variant type: single nucleotide variant.
Coding change: c.629-449A>G on transcript NM_181872.6 (MANE Select); 449 bases into the intron before coding-DNA position 629, A replaced by G.
Molecular consequence: intron variant. On other transcripts: missense variant (5), non-coding transcript variant (1).
Genome position (GRCh38, 1-based): chr9:1,055,767, A>G. VCF-style: chr9-1055767-A-G. GRCh37 (hg19) VCF-style: chr9-1055767-A-G.
Other names: c.674A>G, p.His225Arg (NM_001130865.3, NM_001370531.1, NM_001370533.1 and 2 more transcripts); c.629-449A>G (NM_001387558.1, NM_001387559.1); c.107-449A>G (NM_001370532.1); c.-71-449A>G (NM_001387560.1); short protein forms H225R.
Identifiers: ClinVar variation 4999852 (VCV004999852.1).

ClinVar aggregate classification (germline): Uncertain significance (1 of 4 stars; one submission).

Conditions:
DMRT2-related disorder. Also called: DMRT2-related condition.

Submission:

PreventionGenetics, part of Exact Sciences
Classification: Uncertain significance for DMRT2-related condition. Last evaluated: 2025-08-11. Review status: criteria provided, single submitter. Criteria: ACMG Guidelines, 2015. Collection method: clinical testing. Allele origin: germline.
Comment: The DMRT2 c.674A>G variant is predicted to result in the amino acid substitution p.His225Arg. To our knowledge, this variant has not been reported in the literature or in a large population database (gnomAD), indicating this variant is rare. At this time, the clinical significance of this variant is uncertain due to the absence of conclusive functional and genetic evidence.